The following is an entry in ClinVar:

NM_016363.5(GP6):c.812T>C (p.Val271Ala)

Gene: GP6 (glycoprotein VI platelet; minus strand). Cytogenetic location: 19q13.42.
Variant type: single nucleotide variant.
Coding change: c.812T>C on transcript NM_016363.5 (MANE Select); coding-DNA position 812, T replaced by C.
Protein change: p.Val271Ala; replaces valine 271 with alanine.
Molecular consequence: missense variant. On other transcripts: synonymous variant (1).
Genome position (GRCh38, 1-based): chr19:55,015,129, A>G on the plus strand (T>C on the coding strand, the complement: GP6 is on the minus strand). VCF-style: chr19-55015129-A-G. GRCh37 (hg19) VCF-style: chr19-55526497-A-G.
Other names: c.816T>C, p.Gly272= (NM_001083899.2); c.758T>C, p.Val253Ala (NM_001256017.2); short protein forms V253A, V271A.
Identifiers: ClinVar variation 3365747 (VCV003365747.1).

ClinVar aggregate classification (germline): Uncertain significance (1 of 4 stars; one submission).

gnomAD v4.1: 1 of 1,577,336 alleles (0.000063%); highest among the groups gnomAD compares: East Asian, 0.0023%; no homozygotes.

Submission:

GeneDx
Classification: Uncertain significance. Last evaluated: 2024-01-09. Review status: criteria provided, single submitter. Criteria: GeneDx Variant Classification Process June 2021. Collection method: clinical testing. Allele origin: germline. Affected: yes.
Comment: Has not been previously published as pathogenic or benign to our knowledge; Not observed at significant frequency in large population cohorts (gnomAD); In silico analysis supports that this variant does not alter splicing